The following is an entry in ClinVar:

NM_016203.4(PRKAG2):c.1168C>T (p.Pro390Ser)

Gene: PRKAG2 (protein kinase AMP-activated non-catalytic subunit gamma 2; minus strand). Cytogenetic location: 7q36.1.
Variant type: single nucleotide variant.
Coding change: c.1168C>T on transcript NM_016203.4 (MANE Select); coding-DNA position 1168, C replaced by T.
Protein change: p.Pro390Ser; replaces proline 390 with serine.
Molecular consequence: missense variant.
Genome position (GRCh38, 1-based): chr7:151,568,781, G>A on the plus strand (C>T on the coding strand, the complement: PRKAG2 is on the minus strand). VCF-style: chr7-151568781-G-A. GRCh37 (hg19) VCF-style: chr7-151265867-G-A.
Other names: c.1036C>T, p.Pro346Ser (NM_001040633.2, NM_001407024.1); c.793C>T, p.Pro265Ser (NM_001304527.2, NM_001407029.1); c.445C>T, p.Pro149Ser (NM_001304531.2, NM_001407034.1, NM_001407035.1 and 1 more transcripts); c.796C>T, p.Pro266Ser (NM_001363698.2, NM_001407028.1); c.1168C>T, p.Pro390Ser (NM_001407021.1); c.1165C>T, p.Pro389Ser (NM_001407022.1, NM_001407023.1); c.1033C>T, p.Pro345Ser (NM_001407026.1, NM_001407027.1); c.880C>T, p.Pro294Ser (NM_001407030.1); and 6 more; short protein forms P169S, P282S, P265S, P266S, P390S, P148S, P149S, P294S.
Identifiers: ClinVar variation 4768414 (VCV004768414.1).

ClinVar aggregate classification (germline): Uncertain significance (1 of 4 stars; one submission).

Conditions:
Lethal congenital glycogen storage disease of heart. Also called: GLYCOGEN STORAGE DISEASE OF HEART; PHOSPHORYLASE KINASE DEFICIENCY OF HEART. Identifiers: Orphanet 439854, MedGen C1849813, MONDO:0009867, OMIM 261740.

Submission:

Labcorp Genetics (formerly Invitae), Labcorp
Classification: Uncertain significance for Lethal congenital glycogen storage disease of heart. Last evaluated: 2025-08-12. Review status: criteria provided, single submitter. Criteria: Invitae Variant Classification Sherloc (09022015). Collection method: clinical testing. Allele origin: germline.
Comment: This sequence change replaces proline, which is neutral and non-polar, with serine, which is neutral and polar, at codon 390 of the PRKAG2 protein (p.Pro390Ser). This variant is not present in population databases (gnomAD no frequency). This variant has not been reported in the literature in individuals affected with PRKAG2-related conditions. Invitae Evidence Modeling of protein sequence and biophysical properties (such as structural, functional, and spatial information, amino acid conservation, physicochemical variation, residue mobility, and thermodynamic stability) has been performed for this missense variant. However, the output from this modeling did not meet the statistical confidence thresholds required to predict the impact of this variant on PRKAG2 protein function. In summary, the available evidence is currently insufficient to determine the role of this variant in disease. Therefore, it has been classified as a Variant of Uncertain Significance.